The following is an entry in ClinVar:

NM_004357.5(CD151):c.297C>T (p.Ile99=)

Gene: CD151 (CD151 molecule (Raph blood group); plus strand). Cytogenetic location: 11p15.5.
Variant type: single nucleotide variant.
Coding change: c.297C>T on transcript NM_004357.5 (MANE Select); coding-DNA position 297, C replaced by T.
Protein change: p.Ile99=; no amino-acid change (isoleucine 99 retained).
Molecular consequence: synonymous variant.
Genome position (GRCh38, 1-based): chr11:836,789, C>T. VCF-style: chr11-836789-C-T. GRCh37 (hg19) VCF-style: chr11-836789-C-T.
Other names: c.297C>T, p.Ile99= (NM_001039490.2, NM_139029.2, NM_139030.4).
Identifiers: ClinVar variation 2960852 (VCV002960852.3), dbSNP rs746609476, ClinGen allele CA5792145.
Genomic context (GRCh38, chr11:836,789, plus strand): 5'-AGGCCTCAGAACAAGGGTGCCCTTGTGCTGCCCCCCCCAGTACTTCATCCTGCTCCTCAT[C>T]ATCTTTCTGCTGGAGATCATCGCTGGTATCCTCGCCTACGCCTACTACCAGCAGGTGAGG-3'
Protein context (NP_004348.2, residues 89-109): LLRLYFILLL[Ile99=]IFLLEIIAGI

ClinVar aggregate classification (germline): Uncertain significance (1 of 4 stars; one submission).

Allele frequency attached by ClinVar (database versions not stated): ExAC 0.00001; gnomAD exomes 0.00002; gnomAD 0.00003; TOPMed 0.00003.
gnomAD v4.1: 37 of 1,612,668 alleles (0.0023%); highest among the groups gnomAD compares: Non-Finnish European, 0.0031%; no homozygotes.

Submission:

Labcorp Genetics (formerly Invitae), Labcorp
Classification: Uncertain significance. Last evaluated: 2023-09-19. Review status: criteria provided, single submitter. Criteria: Invitae Variant Classification Sherloc (09022015). Collection method: clinical testing. Allele origin: germline.
Comment: In summary, the available evidence is currently insufficient to determine the role of this variant in disease. Therefore, it has been classified as a Variant of Uncertain Significance. Algorithms developed to predict the effect of sequence changes on RNA splicing suggest that this variant may create or strengthen a splice site. This variant has not been reported in the literature in individuals affected with CD151-related conditions. This variant is present in population databases (rs746609476, gnomAD 0.0009%). This sequence change affects codon 99 of the CD151 mRNA. It is a 'silent' change, meaning that it does not change the encoded amino acid sequence of the CD151 protein.